The following is an entry in ClinVar:

ClinVar aggregate classification (germline): Benign (1 of 4 stars; one submission).

Submission:

GeneDx
Classification: Benign. Last evaluated: 2018-06-19. Review status: criteria provided, single submitter. Criteria: GeneDx Variant Classification (06012015). Collection method: clinical testing. Allele origin: germline. Affected: yes.
Comment: This variant is considered likely benign or benign based on one or more of the following criteria: it is a conservative change, it occurs at a poorly conserved position in the protein, it is predicted to be benign by multiple in silico algorithms, and/or has population frequency not consistent with disease.

NM_182961.4(SYNE1):c.9808-198del

Gene: SYNE1 (spectrin repeat containing nuclear envelope protein 1; minus strand). Cytogenetic location: 6q25.2.
Variant type: Deletion.
Coding change: c.9808-198del on transcript NM_182961.4 (MANE Select); 198 bases into the intron before coding-DNA position 9808, one base deleted (T; older notation c.9808-198delT).
Molecular consequence: intron variant.
Genome position (GRCh38, 1-based): chr6:152,367,580, A deleted on the plus strand (T on the coding strand, the reverse complement: SYNE1 is on the minus strand); the first of 10 consecutive A bases (chr6:152,367,580-152,367,589); deleting any one gives the same sequence. VCF-style (leftmost placement, unchanged base first): chr6-152367579-CA-C. GRCh37 (hg19) VCF-style: chr6-152688714-CA-C.
Other names: c.9829-198del (NM_033071.5).
Identifiers: ClinVar variation 670673 (VCV000670673.1), dbSNP rs144983233, ClinGen allele CA150216684.